The following is an entry in ClinVar:

NM_001364905.1(LRBA):c.3292G>A (p.Asp1098Asn)

Gene: LRBA (LPS responsive beige-like anchor protein; minus strand). Cytogenetic location: 4q31.3.
Variant type: single nucleotide variant.
Coding change: c.3292G>A on transcript NM_001364905.1 (MANE Select); coding-DNA position 3292, G replaced by A.
Protein change: p.Asp1098Asn; replaces aspartic acid 1098 with asparagine.
Molecular consequence: missense variant.
Genome position (GRCh38, 1-based): chr4:150,852,418, C>T on the plus strand (G>A on the coding strand, the complement: LRBA is on the minus strand). VCF-style: chr4-150852418-C-T. GRCh37 (hg19) VCF-style: chr4-151773570-C-T.
Other names: c.3292G>A, p.Asp1098Asn (NM_001199282.3, NM_001367550.1, NM_006726.5); short protein forms D1098N.
Identifiers: ClinVar variation 1954174 (VCV001954174.5), dbSNP rs769475862, ClinGen allele CA3103069.
Genomic context (GRCh38, chr4:150,852,418, plus strand): 5'-TGCCTTCTACTTTCAGTTCCACATAATCATCATCTTCCTCTTCCTCTACTATAGATTTAT[C>T]CAAGAATTCTGGCATCTCTGAGGCATCCTCTTCTGAAGGAGAACTTATAGAAGCAGTTAC-3'
Protein context (NP_001351834.1, residues 1088-1108): EDASEMPEFL[Asp1098Asn]KSIVEEEEDD

ClinVar aggregate classification (germline): Uncertain significance (1 of 4 stars; one submission).

Conditions:
Combined immunodeficiency due to LRBA deficiency. Also called: Common variable immunodeficiency 8, with autoimmunity. Identifiers: Orphanet 445018, MedGen C3553512, MONDO:0013863, OMIM 614700.

Allele frequency attached by ClinVar (database versions not stated): ExAC 0.00001.
gnomAD v4.1: 5 of 1,613,472 alleles (0.00031%); highest among the groups gnomAD compares: South Asian, 0.0022%; no homozygotes.

Submission:

Labcorp Genetics (formerly Invitae), Labcorp
Classification: Uncertain significance for Combined immunodeficiency due to LRBA deficiency. Last evaluated: 2022-03-19. Review status: criteria provided, single submitter. Criteria: Invitae Variant Classification Sherloc (09022015). Collection method: clinical testing. Allele origin: germline.
Comment: In summary, the available evidence is currently insufficient to determine the role of this variant in disease. Therefore, it has been classified as a Variant of Uncertain Significance. Algorithms developed to predict the effect of missense changes on protein structure and function (SIFT, PolyPhen-2, Align-GVGD) all suggest that this variant is likely to be tolerated. This variant has not been reported in the literature in individuals affected with LRBA-related conditions. This variant is present in population databases (rs769475862, gnomAD 0.003%). This sequence change replaces aspartic acid, which is acidic and polar, with asparagine, which is neutral and polar, at codon 1098 of the LRBA protein (p.Asp1098Asn).